The following is an entry in ClinVar:

ClinVar aggregate classification (germline): Uncertain significance (1 of 4 stars; one submission).

gnomAD v4.1: 1 of 1,614,072 alleles (0.000062%); no homozygotes.

Submission:

Labcorp Genetics (formerly Invitae), Labcorp
Classification: Uncertain significance. Last evaluated: 2024-05-27. Review status: criteria provided, single submitter. Criteria: Invitae Variant Classification Sherloc (09022015). Collection method: clinical testing. Allele origin: germline.
Comment: This sequence change replaces valine, which is neutral and non-polar, with leucine, which is neutral and non-polar, at codon 1689 of the ATR protein (p.Val1689Leu). This variant is not present in population databases (gnomAD no frequency). This variant has not been reported in the literature in individuals affected with ATR-related conditions. An algorithm developed to predict the effect of missense changes on protein structure and function (PolyPhen-2) suggests that this variant is likely to be disruptive. In summary, the available evidence is currently insufficient to determine the role of this variant in disease. Therefore, it has been classified as a Variant of Uncertain Significance.

NM_001184.4(ATR):c.5065G>T (p.Val1689Leu)

Gene: ATR (ATR checkpoint kinase; minus strand). Cytogenetic location: 3q23.
Variant type: single nucleotide variant.
Coding change: c.5065G>T on transcript NM_001184.4 (MANE Select); coding-DNA position 5065, G replaced by T.
Protein change: p.Val1689Leu; replaces valine 1689 with leucine.
Molecular consequence: missense variant.
Genome position (GRCh38, 1-based): chr3:142,505,270, C>A on the plus strand (G>T on the coding strand, the complement: ATR is on the minus strand). VCF-style: chr3-142505270-C-A. GRCh37 (hg19) VCF-style: chr3-142224112-C-A.
Other names: c.4873G>T, p.Val1625Leu (NM_001354579.2); short protein forms V1625L, V1689L.
Identifiers: ClinVar variation 3654760 (VCV003654760.2).
Genomic context (GRCh38, chr3:142,505,270, plus strand): 5'-GTTCAAGGATCTGTTCTTTTAGAGATGGTTCTGCCTTTCTAATTGCACTGACTCCGGCCA[C>A]TCCATCAGGTTCATGCATAGCAGCATACAATTTCTTTGTTCAATGATTAAAAAACAATCA-3'
Protein context (NP_001175.2, residues 1679-1699): LYAAMHEPDG[Val1689Leu]AGVSAIRKAE